The following is an entry in ClinVar:

ClinVar aggregate classification (germline): Uncertain significance. Review status: criteria provided, multiple submitters, no conflicts (2 of 4 stars). 3 submissions from 3 submitters: Uncertain significance (3). Last evaluated 2024-02-23.

Conditions:
Cardiovascular phenotype. Identifiers: MedGen CN230736.
Fish-eye disease (FED). Also called: ALPHA-LCAT DEFICIENCY; DYSLIPOPROTEINEMIC CORNEAL DYSTROPHY; LCATA DEFICIENCY. Identifiers: Orphanet 650, Orphanet 79292, MedGen C0342895, MONDO:0007620, OMIM 136120.
Norum disease. Also called: Familial lecithin cholesterol acyltransferase deficiency. Identifiers: Orphanet 79293, MedGen C0023195, MONDO:0009515, OMIM 245900.

Allele frequency attached by ClinVar (database versions not stated): gnomAD exomes 0.00008.
gnomAD v4.1: 110 of 1,547,802 alleles (0.0071%); highest among the groups gnomAD compares: Non-Finnish European, 0.0088%; no homozygotes.

Submissions (3):

Fulgent Genetics
Classification: Uncertain significance for Fish-eye disease; Norum disease. Last evaluated: 2024-02-23. Review status: criteria provided, single submitter. Criteria: ACMG Guidelines, 2015. Collection method: clinical testing. Allele origin: germline.

Ambry Genetics
Classification: Uncertain significance for Cardiovascular phenotype. Last evaluated: 2023-02-23. Review status: criteria provided, single submitter. Criteria: Ambry Variant Classification Scheme 2023. Collection method: clinical testing. Allele origin: germline.

Labcorp Genetics (formerly Invitae), Labcorp
Classification: Uncertain significance. Last evaluated: 2022-07-06. Review status: criteria provided, single submitter. Criteria: Invitae Variant Classification Sherloc (09022015). Collection method: clinical testing. Allele origin: germline.
Comment: This sequence change replaces glycine, which is neutral and non-polar, with serine, which is neutral and polar, at codon 5 of the LCAT protein (p.Gly5Ser). This variant is present in population databases (no rsID available, gnomAD 0.004%). This variant has not been reported in the literature in individuals affected with LCAT-related conditions. Algorithms developed to predict the effect of missense changes on protein structure and function (SIFT, PolyPhen-2, Align-GVGD) all suggest that this variant is likely to be tolerated. In summary, the available evidence is currently insufficient to determine the role of this variant in disease. Therefore, it has been classified as a Variant of Uncertain Significance.

NM_000229.2(LCAT):c.13G>A (p.Gly5Ser)

Genes: LCAT (lecithin-cholesterol acyltransferase; minus strand), SLC12A4 (solute carrier family 12 member 4; minus strand). Cytogenetic location: 16q22.1.
Variant type: single nucleotide variant.
Coding change: c.13G>A on transcript NM_000229.2 (MANE Select); coding-DNA position 13, G replaced by A.
Protein change: p.Gly5Ser; replaces glycine 5 with serine.
Molecular consequence: missense variant. On other transcripts: 3 prime UTR variant (5).
Genome position (GRCh38, 1-based): chr16:67,944,089, C>T on the plus strand (G>A on the coding strand, the complement: LCAT is on the minus strand). VCF-style: chr16-67944089-C-T. GRCh37 (hg19) VCF-style: chr16-67977992-C-T.
Other names: c.*751G>A (NM_001145961.2, NM_001145962.1, NM_001145963.2 and 2 more transcripts); short protein forms G5S.
Identifiers: ClinVar variation 1949476 (VCV001949476.8), dbSNP rs1394758775, ClinGen allele CA396383075.